The following is an entry in ClinVar:

ClinVar aggregate classification (germline): Uncertain significance (0 of 4 stars; one submission).

Conditions:
TANC2-related disorder. Also called: TANC2-related condition.

Submission:

PreventionGenetics, part of Exact Sciences
Classification: Uncertain significance for TANC2-related condition. Last evaluated: 2024-06-28. Review status: no assertion criteria provided. Collection method: clinical testing. Allele origin: germline.
Comment: The TANC2 c.5441C>T variant is predicted to result in the amino acid substitution p.Pro1814Leu. To our knowledge, this variant has not been reported in the literature or in gnomAD, indicating this variant is rare. At this time, the clinical significance of this variant is uncertain due to the absence of conclusive functional and genetic evidence.

NM_001394998.1(TANC2):c.5693C>T (p.Pro1898Leu)

Gene: TANC2 (tetratricopeptide repeat, ankyrin repeat and coiled-coil containing 2; plus strand). Cytogenetic location: 17q23.3.
Variant type: single nucleotide variant.
Coding change: c.5693C>T on transcript NM_001394998.1 (MANE Select); coding-DNA position 5693, C replaced by T.
Protein change: p.Pro1898Leu; replaces proline 1898 with leucine.
Molecular consequence: missense variant.
Genome position (GRCh38, 1-based): chr17:63,421,423, C>T. VCF-style: chr17-63421423-C-T. GRCh37 (hg19) VCF-style: chr17-61498784-C-T.
Other names: c.5471C>T, p.Pro1824Leu (NM_001411076.1); c.5441C>T, p.Pro1814Leu (NM_025185.4); short protein forms P1814L, P1824L, P1898L.
Identifiers: ClinVar variation 3346320 (VCV003346320.1).